The following is an entry in ClinVar:

ClinVar aggregate classification (germline): not provided. Review status: no classification provided (0 of 4 stars). 2 submissions from 1 submitter: not provided (2).

Conditions:
Small for gestational age. Also called: Low birth weight. Identifiers: MedGen C0235991, HP:0001518.
Normal pregnancy. Identifiers: MedGen C0232989.

Submissions (2):

Institute of Molecular and Cell Biology, University of Tartu
No classification provided. Condition: Small for gestational age. Review status: no classification provided. Collection method: case-control. Allele origin: unknown. Affected: yes. Study: Kasak2014.
Comment: The study aimed to determine the contribution of copy number variants in the genetic etiology of normal and complicated pregnancies. The samples represented (i) maternal blood DNA drawn from healthy pregnant women during 1st or 2nd trimester and (ii) maternal and paternal blood DNA drawn at term pregnancy cases representing normal and complicated gestations (severe preeclampsia, PE; gestational diabetes, GD; small-for-gestational age newborn, SGA; large-for-gestational age newborn, LGA). We performed CNV calling based on genome-wide genotyping dataset (Illumina HumanOmniExpress-24-v1 BeadChip) by applying three algorithms, QuantiSNP, GADA (Genome Alteration Detection Algorithm) and CNstream in parallel. The acquired CNV calls were merged with HD-CNV (Hotspot Detector for Copy Number Variants) program and only the CNVs predicted by at least two programs, were considered in subsequent analysis.

Institute of Molecular and Cell Biology, University of Tartu
No classification provided. Condition: Normal pregnancy. Review status: no classification provided. Collection method: case-control. Allele origin: unknown. Affected: yes. Study: Kasak2014.
Comment: the same text as in the submission from Institute of Molecular and Cell Biology, University of Tartu above.

Literature cited by the submitters: PubMed 25666259.

Single allele

Gene: SPATA45 (spermatogenesis associated 45; minus strand). Cytogenetic location: 1q32.3.
Variant type: Deletion.
Identifiers: ClinVar variation 156766 (VCV000156766.2).